The following is an entry in ClinVar:

NM_002439.5(MSH3):c.553G>T (p.Asp185Tyr)

Gene: MSH3 (mutS homolog 3; plus strand). Cytogenetic location: 5q14.1.
Variant type: single nucleotide variant.
Coding change: c.553G>T on transcript NM_002439.5 (MANE Select); coding-DNA position 553, G replaced by T.
Protein change: p.Asp185Tyr; replaces aspartic acid 185 with tyrosine.
Molecular consequence: missense variant.
Genome position (GRCh38, 1-based): chr5:80,665,337, G>T. VCF-style: chr5-80665337-G-T. GRCh37 (hg19) VCF-style: chr5-79961156-G-T.
Other names: short protein forms D185Y.
Identifiers: ClinVar variation 853398 (VCV000853398.13), dbSNP rs746425286, ClinGen allele CA360264506.

ClinVar aggregate classification (germline): Uncertain significance. Review status: criteria provided, multiple submitters, no conflicts (2 of 4 stars). 2 submissions from 2 submitters: Uncertain significance (2). Last evaluated 2025-08-02.

Conditions:
Hereditary cancer-predisposing syndrome. Also called: Neoplastic Syndromes, Hereditary; Hereditary Cancer Syndrome; Tumor predisposition; Hereditary neoplastic syndrome. Identifiers: Orphanet 140162, MedGen C0027672, MeSH D009386, MONDO:0015356.

gnomAD v4.1: 6 of 1,612,726 alleles (0.00037%); highest among the groups gnomAD compares: Non-Finnish European, 0.00051%; no homozygotes.

Submissions (2):

Ambry Genetics
Classification: Uncertain significance for Hereditary cancer-predisposing syndrome. Last evaluated: 2025-08-02. Review status: criteria provided, single submitter. Criteria: Ambry Variant Classification Scheme 2023. Collection method: clinical testing. Allele origin: germline.
Comment: The p.D185Y variant (also known as c.553G>T), located in coding exon 3 of the MSH3 gene, results from a G to T substitution at nucleotide position 553. The aspartic acid at codon 185 is replaced by tyrosine, an amino acid with highly dissimilar properties. This amino acid position is conserved. In addition, the in silico prediction for this alteration is inconclusive. Since supporting evidence is limited at this time, the clinical significance of this alteration remains unclear.

Labcorp Genetics (formerly Invitae), Labcorp
Classification: Uncertain significance. Last evaluated: 2022-10-21. Review status: criteria provided, single submitter. Criteria: Invitae Variant Classification Sherloc (09022015). Collection method: clinical testing. Allele origin: germline.
Comment: This sequence change replaces aspartic acid, which is acidic and polar, with tyrosine, which is neutral and polar, at codon 185 of the MSH3 protein (p.Asp185Tyr). This variant is not present in population databases (gnomAD no frequency). This variant has not been reported in the literature in individuals affected with MSH3-related conditions. ClinVar contains an entry for this variant (Variation ID: 853398). Algorithms developed to predict the effect of missense changes on protein structure and function are either unavailable or do not agree on the potential impact of this missense change (SIFT: "Deleterious"; PolyPhen-2: "Possibly Damaging"; Align-GVGD: "Class C0"). In summary, the available evidence is currently insufficient to determine the role of this variant in disease. Therefore, it has been classified as a Variant of Uncertain Significance.